The following is an entry in ClinVar:

NM_000448.3(RAG1):c.1180C>T (p.Arg394Trp)

Gene: RAG1 (recombination activating 1; plus strand). Cytogenetic location: 11p12.
Variant type: single nucleotide variant.
Coding change: c.1180C>T on transcript NM_000448.3 (MANE Select); coding-DNA position 1180, C replaced by T.
Protein change: p.Arg394Trp; replaces arginine 394 with tryptophan.
Molecular consequence: missense variant.
Genome position (GRCh38, 1-based): chr11:36,574,484, C>T. VCF-style: chr11-36574484-C-T. GRCh37 (hg19) VCF-style: chr11-36596034-C-T.
Other names: NM_000448.3(RAG1):c.1180C>T; p.Arg394Trp; c.1180C>T, p.Arg394Trp (NM_001377277.1, NM_001377278.1, NM_001377279.1 and 1 more transcripts); short protein forms R394W.
Identifiers: ClinVar variation 660211 (VCV000660211.18), dbSNP rs1590702874, ClinGen allele CA380151733.

ClinVar aggregate classification (germline): Pathogenic. Review status: reviewed by expert panel (3 of 4 stars). 8 submissions from 8 submitters: Pathogenic (1). 7 of the submissions do not count toward it. Last evaluated 2025-10-29.

Conditions:
Combined immunodeficiency due to partial RAG1 deficiency. Identifiers: Orphanet 231154, MedGen C1835931, MONDO:0012359, OMIM 609889.
Histiocytic medullary reticulosis. Also called: SEVERE COMBINED IMMUNODEFICIENCY WITH HYPEREOSINOPHILIA; Omenn syndrome. Identifiers: Orphanet 39041, MedGen C2700553, MONDO:0011338, OMIM 603554.
Combined immunodeficiency with skin granulomas. Identifiers: Orphanet 157949, MedGen C2673536, MONDO:0009306, OMIM 233650.
Severe combined immunodeficiency, autosomal recessive, T cell-negative, B cell-negative, NK cell-positive. Also called: SCID, T CELL-NEGATIVE, B CELL-NEGATIVE, NK CELL-POSITIVE; Severe combined immunodeficiency due to complete RAG1/2 deficiency; SCID, AR, T-cell negative, B-cell negative, NK cell-positive. Identifiers: Orphanet 331206, MedGen C1832322, MONDO:0011086, OMIM 601457.
Recombinase activating gene 1 deficiency. Identifiers: MedGen CN375631, MONDO:0000572.

Allele frequency attached by ClinVar (database versions not stated): gnomAD exomes 0.00001; TOPMed 0.00001.

Submissions (8):

ClinGen Severe Combined Immunodeficiency Variant Curation Expert Panel, ClinGen
Classification: Pathogenic for Recombinase activating gene 1 deficiency. Last evaluated: 2025-10-29. Review status: reviewed by expert panel. Criteria: ClinGen SCID ACMG Specifications RAG1 V2.1.0. Collection method: curation. Allele origin: germline. Inheritance: Autosomal recessive inheritance.
Comment: The NM_000448.3:c.1180C>T variant in RAG1 is a missense variant predicted to cause substitution of arginine by tryptophan at amino acid 394 (p.Arg394Trp). In the gnomAD v4.1.0 database, the GrpMax filtering allele frequency of this variant is 0.00000429, which is lower than the cut-off (<0.000102) determined by the SCID VCEP. No homozygous individual was observed in the database (PM2_Supporting). The variant has been identified in at least 9 individuals with SCID or Ommen Syndrome. One individual was heterozygous for this variant and a likely pathogenic variant p.L1025FfsX39 classified by the SCID VCEP. The trans phase of the two variants was confirmed by trio sequencing (PMID 26476733). The other 8 individuals were homozygous for this variant, three from consanguineous families, two from families whose consanguinity is unknown, and three from a cohort in which 78.5% probands were from consanguineous families (PMIDs 17572155, 19912631, 27301863, 29051008, 31589898) (PM3_Very Strong). One of these individuals (PMID 27301863, P2) was homozygous for this variant. The individual was diagnosed with SCID according to the Primary Immune Deficiency Treatment Consortium criteria and presented a T-B-NK+ lymphocyte profile (PP4). The variant is located in the NBD domain (amino acid 394-460) of the RAG1 protein, which is critical to the protein function (PM1). An in vitro VDJ recombination activity assay showed that the variant causes a decrease in recombination activity to less than 25% of wildtype activity, supporting a damaging effect on the protein (PMID 24290284, PS3_moderate). Another missense variant p.Arg394Gln in the same codon has been classified as likely pathogenic for SCID by the ClinGen SCID VCEP (PM5_Supporting). In summary, this variant meets the criteria to be classified as pathogenic for SCID. ACMG/AMP criteria applied, as specified by the ClinGen SCID-VCEP: PP4, PM1, PM2_Supporting, PM3_Very Strong, PM5_Supporting, PS3_Moderate. (VCEP specifications version 2.1)

Labcorp Genetics (formerly Invitae), Labcorp
Classification: Pathogenic for Combined immunodeficiency with skin granulomas; Severe combined immunodeficiency, autosomal recessive, T cell-negative, B cell-negative, NK cell-positive. Last evaluated: 2025-03-10. Review status: criteria provided, single submitter. Criteria: Invitae Variant Classification Sherloc (09022015). Collection method: clinical testing. Allele origin: germline. Not counted in ClinVar's aggregate classification.
Comment: This sequence change replaces arginine, which is basic and polar, with tryptophan, which is neutral and slightly polar, at codon 394 of the RAG1 protein (p.Arg394Trp). This variant is not present in population databases (gnomAD no frequency). This missense change has been observed in individuals with Omenn syndrome (PMID: 16960852, 17572155, 19912631, 26476733). This variant is also known as c.1179C>T and c.1304C>T. ClinVar contains an entry for this variant (Variation ID: 660211). Invitae Evidence Modeling of protein sequence and biophysical properties (such as structural, functional, and spatial information, amino acid conservation, physicochemical variation, residue mobility, and thermodynamic stability) indicates that this missense variant is not expected to disrupt RAG1 protein function with a negative predictive value of 80%. Experimental studies have shown that this missense change affects RAG1 function (PMID: 24290284). This variant disrupts the p.Arg394 amino acid residue in RAG1. Other variant(s) that disrupt this residue have been observed in individuals with RAG1-related conditions (PMID: 22424479), which suggests that this may be a clinically significant amino acid residue. For these reasons, this variant has been classified as Pathogenic.

Genomic Medicine Center of Excellence, King Faisal Specialist Hospital and Research Centre
Classification: Pathogenic for Severe combined immunodeficiency, autosomal recessive, T cell-negative, B cell-negative, NK cell-positive. Last evaluated: 2024-12-18. Review status: criteria provided, single submitter. Criteria: ACMG Guidelines, 2015. Collection method: clinical testing. Allele origin: germline. Not counted in ClinVar's aggregate classification.

Fulgent Genetics
Classification: Pathogenic for Combined immunodeficiency with skin granulomas; Severe combined immunodeficiency, autosomal recessive, T cell-negative, B cell-negative, NK cell-positive; Histiocytic medullary reticulosis; Combined immunodeficiency due to partial RAG1 deficiency. Last evaluated: 2024-05-01. Review status: criteria provided, single submitter. Criteria: ACMG Guidelines, 2015. Collection method: clinical testing. Allele origin: germline. Not counted in ClinVar's aggregate classification.

Baylor Genetics
Classification: Likely pathogenic for Combined immunodeficiency due to partial RAG1 deficiency. Last evaluated: 2023-06-26. Review status: criteria provided, single submitter. Criteria: ACMG Guidelines, 2015. Collection method: clinical testing. Allele origin: unknown. Not counted in ClinVar's aggregate classification.

Revvity Omics, Revvity
Classification: Pathogenic. Last evaluated: 2022-07-07. Review status: criteria provided, single submitter. Criteria: ACMG Guidelines, 2015. Collection method: clinical testing. Allele origin: germline. Not counted in ClinVar's aggregate classification.

GeneDx
Classification: Pathogenic. Last evaluated: 2021-01-12. Review status: criteria provided, single submitter. Criteria: GeneDx Variant Classification Process June 2021. Collection method: clinical testing. Allele origin: germline. Affected: yes. Not counted in ClinVar's aggregate classification.
Comment: Published functional studies demonstrate a lack of recombination activity (Lee et al., 2014); Not observed in large population cohorts (Lek et al., 2016); In silico analysis supports that this missense variant has a deleterious effect on protein structure/function; This variant is associated with the following publications: (PMID: 32888943, 29051008, 31589898, 28952612, 26476733, 16960852, 24290284, 27301863)

Juno Genomics, Hangzhou Juno Genomics, Inc
Classification: Likely pathogenic for Severe combined immunodeficiency, autosomal recessive, T cell-negative, B cell-negative, NK cell-positive; Combined immunodeficiency due to partial RAG1 deficiency; Combined immunodeficiency with skin granulomas; Histiocytic medullary reticulosis. Review status: criteria provided, single submitter. Criteria: ACMG Guidelines, 2015. Collection method: clinical testing. Allele origin: germline. Not counted in ClinVar's aggregate classification.
Comment: Absent from controls (or at extremely low frequency if recessive) in Genome Aggregation Database.;Well-established in vitro or in vivo functional studies supportive of a damaging effect on the gene or gene product.;For recessive disorders, detected in trans with a pathogenic variant.;Patient's phenotype or family history is highly specific for a disease with a single genetic etiology.;Novel missense change at an amino acid residue where a different missense change determined to be pathogenic has been seen before.

Literature cited by the submitters: PubMed 16960852 (cited by Labcorp Genetics (formerly Invitae), Labcorp); PubMed 17572155 (cited by Labcorp Genetics (formerly Invitae), Labcorp); PubMed 19912631 (cited by Labcorp Genetics (formerly Invitae), Labcorp); PubMed 26476733 (cited by Labcorp Genetics (formerly Invitae), Labcorp); PubMed 24290284 (cited by Labcorp Genetics (formerly Invitae), Labcorp); PubMed 22424479 (cited by Labcorp Genetics (formerly Invitae), Labcorp).